The following is an entry in ClinVar:

ClinVar aggregate classification (germline): Pathogenic (1 of 4 stars; one submission).

Conditions:
Alstrom syndrome (ALMS). Identifiers: Orphanet 64, MedGen C0268425, MONDO:0008763, OMIM 203800.

Submission:

Laboratory of Medical Genetics, National & Kapodistrian University of Athens
Classification: Pathogenic for Alstrom syndrome. Last evaluated: 2022-10-14. Review status: criteria provided, single submitter. Criteria: ACMG Guidelines, 2015. Collection method: clinical testing. Allele origin: germline. Affected: yes.
Comment: PVS1, PM2, PP5

NM_001378454.1(ALMS1):c.11304_11307del (p.Thr3769fs)

Gene: ALMS1 (ALMS1 centrosome and basal body associated protein; plus strand). Cytogenetic location: 2p13.1.
Variant type: Deletion.
Coding change: c.11304_11307del on transcript NM_001378454.1 (MANE Select); coding-DNA positions 11304 to 11307, 4 bases deleted (AACA; older notation c.11304_11307delAACA).
Protein change: p.Thr3769fs; shifts the reading frame from threonine 3769.
Molecular consequence: frameshift variant.
Genome position (GRCh38, 1-based): chr2:73,573,181-73,573,184, AACA deleted; deleting any 4 consecutive bases within chr2:73,573,179-73,573,184 gives the same sequence; the c. name uses the placement nearest the transcript's 3' end. VCF-style (leftmost placement, unchanged base first): chr2-73573178-CCAAA-C. GRCh37 (hg19) VCF-style: chr2-73800305-CCAAA-C.
Other names: c.11307_11310del, p.Thr3770fs (NM_015120.4); short protein forms T3769fs, T3770fs.
Identifiers: ClinVar variation 2572620 (VCV002572620.1), dbSNP rs2466446965, ClinGen allele CA2580612952.